The following is an entry in ClinVar:

ClinVar aggregate classification (germline): Uncertain significance (1 of 4 stars; one submission).

Conditions:
Immunodeficiency 39 (IMD39). Identifiers: Orphanet 574918, MedGen C4225358, MONDO:0014597, OMIM 616345.

gnomAD v4.1: 24 of 1,612,704 alleles (0.0015%); highest among the groups gnomAD compares: South Asian, 0.02%; no homozygotes.

Submission:

Labcorp Genetics (formerly Invitae), Labcorp
Classification: Uncertain significance for Immunodeficiency 39. Last evaluated: 2025-10-11. Review status: criteria provided, single submitter. Criteria: Invitae Variant Classification Sherloc (09022015). Collection method: clinical testing. Allele origin: germline.
Comment: This sequence change replaces leucine, which is neutral and non-polar, with methionine, which is neutral and non-polar, at codon 233 of the IRF7 protein (p.Leu233Met). This variant is present in population databases (rs749760219, gnomAD 0.02%). This variant has not been reported in the literature in individuals affected with IRF7-related conditions. ClinVar contains an entry for this variant (Variation ID: 2151255). Invitae Evidence Modeling of protein sequence and biophysical properties (such as structural, functional, and spatial information, amino acid conservation, physicochemical variation, residue mobility, and thermodynamic stability) indicates that this missense variant is not expected to disrupt IRF7 protein function with a negative predictive value of 80%. In summary, the available evidence is currently insufficient to determine the role of this variant in disease. Therefore, it has been classified as a Variant of Uncertain Significance.

NM_001572.5(IRF7):c.658C>A (p.Leu220Met)

Gene: IRF7 (interferon regulatory factor 7; minus strand). Cytogenetic location: 11p15.5.
Variant type: single nucleotide variant.
Coding change: c.658C>A on transcript NM_001572.5 (MANE Select); coding-DNA position 658, C replaced by A.
Protein change: p.Leu220Met; replaces leucine 220 with methionine.
Molecular consequence: missense variant.
Genome position (GRCh38, 1-based): chr11:614,195, G>T on the plus strand (C>A on the coding strand, the complement: IRF7 is on the minus strand). VCF-style: chr11-614195-G-T. GRCh37 (hg19) VCF-style: chr11-614195-G-T.
Other names: c.658C>A, p.Leu220Met (NM_004029.4); c.697C>A, p.Leu233Met (NM_004031.4); short protein forms L220M, L233M.
Identifiers: ClinVar variation 2151255 (VCV002151255.4), dbSNP rs749760219, ClinGen allele CA5783876.